The following is an entry in ClinVar:

NM_006019.4(TCIRG1):c.1166-2A>G

Gene: TCIRG1 (T cell immune regulator 1, ATPase H+ transporting V0 subunit a3; plus strand). Cytogenetic location: 11q13.2.
Variant type: single nucleotide variant.
Coding change: c.1166-2A>G on transcript NM_006019.4 (MANE Select); the canonical splice acceptor site of the intron before coding-DNA position 1166, A replaced by G.
Molecular consequence: splice acceptor variant.
Genome position (GRCh38, 1-based): chr11:68,047,431, A>G. VCF-style: chr11-68047431-A-G. GRCh37 (hg19) VCF-style: chr11-67814898-A-G.
Other names: c.272-2A>G (NM_001351059.2); c.518-2A>G (NM_006053.4).
Identifiers: ClinVar variation 962888 (VCV000962888.8), dbSNP rs113982129, ClinGen allele CA381582030.

ClinVar aggregate classification (germline): Likely pathogenic (1 of 4 stars; one submission).

Submission:

Labcorp Genetics (formerly Invitae), Labcorp
Classification: Likely pathogenic. Last evaluated: 2019-09-13. Review status: criteria provided, single submitter. Criteria: Invitae Variant Classification Sherloc (09022015). Collection method: clinical testing. Allele origin: germline.
Comment: Donor and acceptor splice site variants typically lead to a loss of protein function (PMID: 16199547), and loss-of-function variants in TCIRG1 are known to be pathogenic (PMID: 10888887, 10942435, 11532986, 19448635). In summary, the currently available evidence indicates that the variant is pathogenic, but additional data are needed to prove that conclusively. Therefore, this variant has been classified as Likely Pathogenic. Algorithms developed to predict the effect of sequence changes on RNA splicing suggest that this variant may disrupt the consensus splice site, but this prediction has not been confirmed by published transcriptional studies. This variant has not been reported in the literature in individuals with TCIRG1-related conditions. This variant is not present in population databases (ExAC no frequency). This sequence change affects an acceptor splice site in intron 10 of the TCIRG1 gene. It is expected to disrupt RNA splicing and likely results in an absent or disrupted protein product.

Literature cited by the submitters: PubMed 16199547; PubMed 10888887; PubMed 10942435; PubMed 11532986; PubMed 19448635.